The following is an entry in ClinVar:

NM_001267550.2(TTN):c.40012G>T (p.Glu13338Ter)

Gene: TTN (titin; minus strand). Cytogenetic location: 2q31.2.
Variant type: single nucleotide variant.
Coding change: c.40012G>T on transcript NM_001267550.2 (MANE Select); coding-DNA position 40012, G replaced by T.
Protein change: p.Glu13338Ter; replaces glutamic acid 13338 with a stop codon.
Molecular consequence: nonsense. On other transcripts: intron variant (5).
Genome position (GRCh38, 1-based): chr2:178,649,293, C>A on the plus strand (G>T on the coding strand, the complement: TTN is on the minus strand). VCF-style: chr2-178649293-C-A. GRCh37 (hg19) VCF-style: chr2-179514020-C-A.
Other names: c.13283-6976G>T (NM_003319.4); c.13859-6976G>T (NM_133437.4); c.13658-6976G>T (NM_133432.3); c.32593+524G>T (NM_133378.4); c.35374+524G>T (NM_001256850.1); short protein forms E13338*.
Identifiers: ClinVar variation 4785890 (VCV004785890.1).

ClinVar aggregate classification (germline): Likely pathogenic (1 of 4 stars; one submission).

Conditions:
Autosomal recessive limb-girdle muscular dystrophy type 2J (LGMDR10). Also called: Limb-girdle muscular dystrophy, type 2J; MUSCULAR DYSTROPHY, LIMB-GIRDLE, AUTOSOMAL RECESSIVE 10. Identifiers: Orphanet 140922, MedGen C1837342, MONDO:0012127, OMIM 608807.
Dilated cardiomyopathy 1G (CMD1G). Identifiers: Orphanet 154, MedGen C1858763, MONDO:0011400, OMIM 604145.

Submission:

Labcorp Genetics (formerly Invitae), Labcorp
Classification: Likely pathogenic for Dilated cardiomyopathy 1G; Autosomal recessive limb-girdle muscular dystrophy type 2J. Last evaluated: 2025-08-17. Review status: criteria provided, single submitter. Criteria: Invitae Variant Classification Sherloc (09022015). Collection method: clinical testing. Allele origin: germline.
Comment: This sequence change creates a premature translational stop signal (p.Glu13338*) in the TTN gene. While this is not anticipated to result in nonsense mediated decay, it is expected to create a truncated TTN protein. This variant is not present in population databases (gnomAD no frequency). This variant has not been reported in the literature in individuals affected with TTN-related conditions. Algorithms developed to predict the effect of sequence changes on RNA splicing suggest that this variant may disrupt the consensus splice site. This variant is located in the I band of TTN (PMID: 25589632). Truncating variants in this region have been reported in individuals affected with autosomal recessive centronuclear myopathy (PMID: 23975875, internal data). Truncating variants in this region have also been identified in individuals affected with autosomal dominant dilated cardiomyopathy and/or cardio-related conditions (PMID: 27869827, 32964742, internal data). In summary, the currently available evidence indicates that the variant is pathogenic, but additional data are needed to prove that conclusively. Therefore, this variant has been classified as Likely Pathogenic.

Literature cited by the submitters: PubMed 25589632; PubMed 23975875; PubMed 27869827; PubMed 32964742.